The following is an entry in ClinVar:

ClinVar aggregate classification (germline): Uncertain significance (1 of 4 stars; one submission).

Conditions:
Nephrolithiasis/nephrocalcinosis. Identifiers: MedGen CN580796.

Submission:

Ambry Genetics
Classification: Uncertain significance for Nephrolithiasis/nephrocalcinosis. Last evaluated: 2021-12-30. Review status: criteria provided, single submitter. Criteria: Ambry Variant Classification Scheme 2023. Collection method: clinical testing. Allele origin: germline.
Comment: The p.E250D variant (also known as c.750A>C), located in coding exon 3 of the CASR gene, results from an A to C substitution at nucleotide position 750. The glutamic acid at codon 250 is replaced by aspartic acid, an amino acid with highly similar properties. This amino acid position is conserved. In addition, this alteration is predicted to be tolerated by in silico analysis. Since supporting evidence is limited at this time, the clinical significance of this alteration remains unclear.

NM_000388.4(CASR):c.750A>C (p.Glu250Asp)

Gene: CASR (calcium sensing receptor; plus strand). Cytogenetic location: 3q21.1.
Variant type: single nucleotide variant.
Coding change: c.750A>C on transcript NM_000388.4 (MANE Select); coding-DNA position 750, A replaced by C.
Protein change: p.Glu250Asp; replaces glutamic acid 250 with aspartic acid.
Molecular consequence: missense variant.
Genome position (GRCh38, 1-based): chr3:122,261,785, A>C. VCF-style: chr3-122261785-A-C. GRCh37 (hg19) VCF-style: chr3-121980632-A-C.
Other names: c.750A>C, p.Glu250Asp (NM_001178065.2); short protein forms E250D.
Identifiers: ClinVar variation 1759241 (VCV001759241.2), dbSNP rs2473226293, ClinGen allele CA354151274.
Genomic context (GRCh38, chr3:122,261,785, plus strand): 5'-TGAGGAAAGGGATATCTGCATCGACTTCAGTGAACTCATCTCCCAGTACTCTGATGAGGA[A>C]GAGATCCAGCATGTGGTAGAGGTGATTCAAAATTCCACGGCCAAAGTCATCGTGGTTTTC-3'
Protein context (NP_000379.3, residues 240-260): SELISQYSDE[Glu250Asp]EIQHVVEVIQ